The following is an entry in ClinVar:

ClinVar aggregate classification (germline): Uncertain significance (1 of 4 stars; one submission).

Allele frequency attached by ClinVar (database versions not stated): gnomAD exomes below 0.00001; TOPMed below 0.00001.
gnomAD v4.1: 3 of 1,613,572 alleles (0.00019%); highest among the groups gnomAD compares: Non-Finnish European, 0.00025%; no homozygotes.

Submission:

Labcorp Genetics (formerly Invitae), Labcorp
Classification: Uncertain significance. Last evaluated: 2021-10-26. Review status: criteria provided, single submitter. Criteria: Invitae Variant Classification Sherloc (09022015). Collection method: clinical testing. Allele origin: germline.
Comment: This variant is not present in population databases (gnomAD no frequency). This sequence change replaces glutamic acid, which is acidic and polar, with lysine, which is basic and polar, at codon 315 of the SEPT9 protein (p.Glu315Lys). This variant has not been reported in the literature in individuals affected with SEPT9-related conditions. Algorithms developed to predict the effect of missense changes on protein structure and function (SIFT, PolyPhen-2, Align-GVGD) all suggest that this variant is likely to be tolerated. In summary, the available evidence is currently insufficient to determine the role of this variant in disease. Therefore, it has been classified as a Variant of Uncertain Significance.

NM_001113491.2(SEPTIN9):c.997G>A (p.Glu333Lys)

Gene: SEPTIN9 (septin 9; plus strand). Cytogenetic location: 17q25.3.
Variant type: single nucleotide variant.
Coding change: c.997G>A on transcript NM_001113491.2 (MANE Select); coding-DNA position 997, G replaced by A.
Protein change: p.Glu333Lys; replaces glutamic acid 333 with lysine.
Molecular consequence: missense variant.
Genome position (GRCh38, 1-based): chr17:77,487,507, G>A. VCF-style: chr17-77487507-G-A. GRCh37 (hg19) VCF-style: chr17-75483589-G-A.
Other names: c.505G>A, p.Glu169Lys (NM_001113492.2, NM_001113494.1); c.976G>A, p.Glu326Lys (NM_001113493.2); c.244G>A, p.Glu82Lys (NM_001113495.2, NM_001113496.2, NM_001293697.2 and 1 more transcripts); c.940G>A, p.Glu314Lys (NM_001293695.2); c.325G>A, p.Glu109Lys (NM_001293696.2); c.943G>A, p.Glu315Lys (NM_006640.5); short protein forms E109K, E169K, E314K, E315K, E326K, E333K, E82K.
Identifiers: ClinVar variation 1682632 (VCV001682632.5), dbSNP rs1290285658, ClinGen allele CA401208754.